The following is an entry in ClinVar:

ClinVar aggregate classification (germline): Uncertain significance (1 of 4 stars; one submission).

gnomAD v4.1: 6 of 1,613,872 alleles (0.00037%); highest among the groups gnomAD compares: South Asian, 0.0044%; no homozygotes.

Submission:

Ambry Genetics
Classification: Uncertain significance. Last evaluated: 2025-07-06. Review status: criteria provided, single submitter. Criteria: Ambry Variant Classification Scheme 2023. Collection method: clinical testing. Allele origin: germline.
Comment: The p.F518L variant (also known as c.1554C>G), located in coding exon 14 of the A2ML1 gene, results from a C to G substitution at nucleotide position 1554. The phenylalanine at codon 518 is replaced by leucine, an amino acid with highly similar properties. This amino acid position is conserved. In addition, this alteration is predicted to be tolerated by in silico analysis. Based on the available evidence, the clinical significance of this variant remains unclear.

NM_144670.6(A2ML1):c.1554C>G (p.Phe518Leu)

Gene: A2ML1 (alpha-2-macroglobulin like 1; plus strand). Cytogenetic location: 12p13.31.
Variant type: single nucleotide variant.
Coding change: c.1554C>G on transcript NM_144670.6 (MANE Select); coding-DNA position 1554, C replaced by G.
Protein change: p.Phe518Leu; replaces phenylalanine 518 with leucine.
Molecular consequence: missense variant.
Genome position (GRCh38, 1-based): chr12:8,846,093, C>G. VCF-style: chr12-8846093-C-G. GRCh37 (hg19) VCF-style: chr12-8998689-C-G.
Other names: c.81C>G, p.Phe27Leu (NM_001282424.3); short protein forms F27L, F518L.
Identifiers: ClinVar variation 4254301 (VCV004254301.1).